The following is an entry in ClinVar:

ClinVar aggregate classification (germline): Likely pathogenic. Review status: reviewed by expert panel (3 of 4 stars). 6 submissions from 6 submitters: Likely pathogenic (1). 5 of the submissions do not count toward it. Last evaluated 2025-07-18.

Conditions:
Glycogen storage disease, type II (IOPD). Also called: POMPE DISEASE, INFANTILE-ONSET; GLYCOGEN STORAGE DISEASE II, INFANTILE-ONSET; ACID ALPHA-GLUCOSIDASE DEFICIENCY, INFANTILE-ONSET; GAA DEFICIENCY, INFANTILE-ONSET; ACID MALTASE DEFICIENCY, INFANTILE-ONSET; Glucosidase acid-1,4-alpha deficiency. Identifiers: Orphanet 365, MedGen C0017921, MONDO:0009290, OMIM 232300.
Cardiovascular phenotype. Identifiers: MedGen CN230736.

Allele frequency attached by ClinVar (database versions not stated): TOPMed below 0.00001.
gnomAD v4.1: 2 of 1,519,678 alleles (0.00013%); highest among the groups gnomAD compares: Non-Finnish European, 0.00018%; no homozygotes.

Submissions (6):

ClinGen Lysosomal Storage Disorder Variant Curation Expert Panel
Classification: Likely pathogenic for Glycogen storage disease, type II. Last evaluated: 2025-07-18. Review status: reviewed by expert panel. Criteria: clingen_lsd_acmg_specifications_v2-1. Collection method: curation. Allele origin: germline. Inheritance: Autosomal recessive inheritance.
Comment: The NM_000152.5:c.854C>G variant in GAA is a missense variant predicted to cause substitution of proline by arginine at amino acid 285 (p.Pro285Arg). The highest population minor allele frequency in gnomAD v4.0.1 is 0.000001784 (1/ 1120816 alleles) in the European non-finish population, which is lower than the ClinGen Lysosomal Diseases VCEP’s threshold for PM2_Supporting (<0.001), meeting this criterion (PM2_Supporting). At least two probands with symptoms consistent with infantile-onset-Pompe disease have been reported with this variant, both with documented deficiency of GAA activity (PMID: 28196920, 19862843). One patient was compound heterozygous for the variant and another variant in GAA that has been classified as pathogenic by the ClinGen LD VCEP, c.1655T>C (p.Leu552Pro) (ClinVar Variation ID: 279811); phase unconfirmed (PMID: 12213618, 14695532). Another individual is compound heterozygous for the variant and c.2303C>T (Pro768Leu) (PMID: 28196920). The allelic data from this patient will be used toward the classification of p.Pro768Leu and is not included here to avoid circular logic. Additional reports of this variant identified in newborn screening (PMID: 28196920, 12213618, 14695532, 19862843). Total 0.5 points (PM3_Supporting). Expression of the variant in COS cell type resulted in 2-10% (~ 5%) of wild-type GAA activity and evidence of abnormal GAA synthesis and processing (PMID: 19862843, 14695532, 19862843). The variant was described as Class C (“less severe”), indicating that this variant may impact protein function (PMID: 14695532) (PS3_Moderate). The computational predictor REVEL gives a score of 0.883, which is above the threshold of 0.7, evidence that correlates with impact on GAA function (PP3). Another missense variant (c.853C>T, p.Pro285Ser) (PMID: 18425781, 21484825, 21550241; ClinVar Variation ID 281052) in the same codon has been classified as likely pathogenic for Pompe disease by the ClinGen Lysosomal Diseases VCEP (PM5_Supporting). There is a ClinVar entry for this variant (Variation ID: 526532; 2-star review status) with four submitters classifying the variant as pathogenic, and one as likely pathogenic. In summary, this variant meets the criteria to be classified as Likely Pathogenic for Pompe disease. GAA-specific ACMG/AMP criteria met, based on the specifications of the ClinGen Lysosomal Diseases VCEP (Specifications Version 2.0): PP4_Moderate, PM3_Supporting, PS3_Moderate, PM5_Supporting, PP3, PM2_Supporting. (Classification approved by the ClinGen Lysosomal Diseases Variant Curation Expert Panel on July 18, 2025)

Genomenon, Inc
Classification: Likely pathogenic for Glycogen storage disease, type II. Last evaluated: 2026-07-01. Review status: criteria provided, single submitter. Criteria: Genomenon Sequence Variant Interpretation Standards - Updated. Collection method: curation. Allele origin: germline. Affected: yes. Not counted in ClinVar's aggregate classification.
Comment: GAA p.Pro285Arg (c.854C>G) is a missense variant that changes the amino acid at codon 285 from Proline to Arginine. This variant has been observed in at least one proband with a GAA-related disorder in the compound heterozygous and/or homozygous state (PMID:34020684;12213618;27649523;28196920). At least one functional study has demonstrated a substantial alteration in protein function relative to the wild-type (PMID:12213618;14695532;19862843). It is absent or not present at a significant frequency in gnomAD. In silico models predict that this variant is possibly or probably damaging. In conclusion, we classify GAA p.Pro285Arg (c.854C>G) as a likely pathogenic variant.

Revvity Omics, Revvity
Classification: Likely pathogenic. Last evaluated: 2025-06-03. Review status: criteria provided, single submitter. Criteria: ACMG Guidelines, 2015. Collection method: clinical testing. Allele origin: germline. Not counted in ClinVar's aggregate classification.

Labcorp Genetics (formerly Invitae), Labcorp
Classification: Pathogenic for Glycogen storage disease, type II. Last evaluated: 2022-11-01. Review status: criteria provided, single submitter. Criteria: Invitae Variant Classification Sherloc (09022015). Collection method: clinical testing. Allele origin: germline. Not counted in ClinVar's aggregate classification.
Comment: For these reasons, this variant has been classified as Pathogenic. This variant disrupts the p.Pro285 amino acid residue in GAA. Other variant(s) that disrupt this residue have been determined to be pathogenic (PMID: 21484825, 21550241). This suggests that this residue is clinically significant, and that variants that disrupt this residue are likely to be disease-causing. Experimental studies have shown that this missense change affects GAA function (PMID: 14695532, 19862843). Advanced modeling of protein sequence and biophysical properties (such as structural, functional, and spatial information, amino acid conservation, physicochemical variation, residue mobility, and thermodynamic stability) performed at Invitae indicates that this missense variant is expected to disrupt GAA protein function. ClinVar contains an entry for this variant (Variation ID: 225114). This missense change has been observed in individual(s) with Pompe disease (PMID: 14695532, 28196920). This variant is present in population databases (no rsID available, gnomAD 0.001%). This sequence change replaces proline, which is neutral and non-polar, with arginine, which is basic and polar, at codon 285 of the GAA protein (p.Pro285Arg).

Broad Center for Mendelian Genomics, Broad Institute of MIT and Harvard
Classification: Pathogenic for Glycogen storage disease, type II. Last evaluated: 2020-01-22. Review status: criteria provided, single submitter. Criteria: ACMG Guidelines, 2015. Collection method: curation. Allele origin: germline. Inheritance: Autosomal recessive inheritance. Not counted in ClinVar's aggregate classification.
Comment: This variant has been identified in 0.001% (1/87084) of European (non-Finnish) chromosomes by the Genome Aggregation Database (gnomAD; dbSNP rs764622267). Although this variant has been seen in the general population, its frequency is low enough to be consistent with a recessive carrier frequency. In vitro functional studies with COS cells transfected with this variant provide some evidence that the p.Pro285Arg variant may impact GAA activity (PMID: 14695532, 19862843, 12213618). However, these types of assays may not accurately represent biological function. Computational prediction tools and conservation analyses suggest that this variant may impact the protein, though this information is not predictive enough to determine pathogenicity. The presence of this variant in combination with a pathogenic variant and in an individual with Glycogen Storage Disease II increases the likelihood that the p.Pro285Arg variant is pathogenic (PMID: 14695532, 12213618). One pathogenic variant at the same position, p.Pro285Ser, has been reported in association with Glycogen Storage Disease II (Variation ID: 281052). The phenotype of individuals heterozygous for this variant is highly specific for Glycogen Storage Disease II with abnormally low GAA activity in their leukocytes or fibroblasts and no known pseudodeficiency alleles in at least one individual (PMID: 28196920, 12213618). In summary, this variant meets criteria to be classified as pathogenic for Glycogen Storage Disease II in an autosomal recessive manner based on in vitro functional studies with COS cells transfected with this variant, individuals with phenotypes highly specific for Glycogen Storage Disease II, and an occurrence with a pathogenic GAA variant in an individual with Glycogen Storage Disease II. ACMG/AMP Criteria applied: PS3, PP4_Moderate, PM3_Supporting, PM2, PP3 (Richards 2015).

Ambry Genetics
Classification: Pathogenic for Cardiovascular phenotype. Last evaluated: 2014-10-08. Review status: criteria provided, single submitter. Criteria: Ambry Variant Classification Scheme 2023. Collection method: clinical testing. Allele origin: germline. Not counted in ClinVar's aggregate classification.
Comment: The c.854C>G (p.P285R) alteration is located in exon 4 (coding exon 3) of the GAA gene. The alteration results from a C to G substitution at nucleotide position 854, causing the Proline (P) at amino acid position 285 to be replaced by an Arginine (R). The alteration is not observed in healthy cohorts:_x000D_ Based on data from the NHLBI Exome Sequencing Project (ESP), the GAA c.854C>G alteration was not observed among 6,503 individuals tested. Allele frequency data for this nucleotide position are not currently available from the 1000 Genomes Project and the alteration is not currently listed in the Database of Single Nucleotide Polymorphisms (dbSNP). Though some variants may appear to be rare due to database-specific ethnic underrepresentation, rare missense alleles commonly exhibit a deleterious effect on protein function (Kryukov, 2007; Tennessen, 2012). The patient had this mild P285R mutation in combination with a severe mutation on the other allele. The altered amino acid is conserved throughout evolution:_x000D_ The p.P285 amino acid position is completely conserved in available vertebrate species. The amino acid is located in a functionally important protein domain:_x000D_ The p.P285R amino acid is located in the N-terminal domain of the GAA protein (Flanagan, 2009). Functional analysis reveals a damaging effect of the amino acid alteration: _x000D_ Functional analysis demonstrated that the p.P285R alteration resulted in 7-10% residual enzyme activity in vitro (Bodamer, 2002). A subsequent study confirmed partial loss of enzyme activity for glycogen and an artificial substrate classified it as a mild mutation (Hermans, 2004). Flanagan et al. (2009) also determined that the pharmacological chaperone 1-Deoxynojirimycin (DNJ) was able to increase the GAA enzyme activity in fibroblast cells expressing this mutant and may be a potential therapeutic treatment for GSDII patients. The alteration is predicted deleterious by in silico models:_x000D_ The p.P285R alteration is predicted to be probably damaging by Polyphen and deleterious by SIFT in silico analyses. Based on the available evidence, this alteration is classified as pathogenic.

Literature cited by the submitters: PubMed 34020684 (cited by Genomenon, Inc); PubMed 12213618 (cited by 3 submitters); PubMed 27649523 (cited by Genomenon, Inc and Ambry Genetics); PubMed 28196920 (cited by 3 submitters); PubMed 14695532 (cited by 3 submitters); PubMed 19862843 (cited by 3 submitters); PubMed 21484825 (cited by Labcorp Genetics (formerly Invitae), Labcorp); PubMed 21550241 (cited by Labcorp Genetics (formerly Invitae), Labcorp).

NM_000152.5(GAA):c.854C>G (p.Pro285Arg)

Gene: GAA (alpha glucosidase; plus strand). Cytogenetic location: 17q25.3.
Variant type: single nucleotide variant.
Coding change: c.854C>G on transcript NM_000152.5 (MANE Select); coding-DNA position 854, C replaced by G.
Protein change: p.Pro285Arg; replaces proline 285 with arginine.
Molecular consequence: missense variant.
Genome position (GRCh38, 1-based): chr17:80,107,718, C>G. VCF-style: chr17-80107718-C-G. GRCh37 (hg19) VCF-style: chr17-78081517-C-G.
Other names: NM_000152.5(GAA):c.854C>G; c.854C>G, p.Pro285Arg (NM_001079803.3, NM_001079804.3); c.854C>G (LRG_673t1); short protein forms P285R.
Identifiers: ClinVar variation 225114 (VCV000225114.23), dbSNP rs764622267, ClinGen allele CA358045.
Genomic context (GRCh38, chr17:80,107,718, plus strand): 5'-GTCCCCTGATGCTCAGCACCAGCTGGACCAGGATCACCCTGTGGAACCGGGACCTTGCGC[C>G]CACGGTACAGCGGCGGGCGGCGGGCGGGGGCACTGAGCTGGGGAGCGCAGGTGCTGAAGC-3'
Protein context (NP_000143.2, residues 275-295): RITLWNRDLA[Pro285Arg]TPGANLYGSH